The following is an entry in ClinVar:

ClinVar aggregate classification (germline): Conflicting classifications of pathogenicity. Review status: criteria provided, conflicting classifications (1 of 4 stars). 7 submissions from 7 submitters: Uncertain significance (5); Likely benign (2). Last evaluated 2026-08-01.

Conditions:
Hereditary cancer-predisposing syndrome. Also called: Hereditary neoplastic syndrome; Neoplastic Syndromes, Hereditary; Tumor predisposition; Hereditary Cancer Syndrome. Identifiers: Orphanet 140162, MedGen C0027672, MeSH D009386, MONDO:0015356.
Multiple endocrine neoplasia type 2B. Also called: MUCOSAL NEUROMA SYNDROME; Multiple endocrine neoplasia, type 3; MULTIPLE ENDOCRINE NEOPLASIA, TYPE IIB; Multiple Endocrine Neoplasia Type 2B (MEN2B); MEN IIB; NEUROMATA, MUCOSAL, WITH ENDOCRINE TUMORS. Identifiers: Orphanet 247709, Orphanet 653, MedGen C0025269, MeSH D018814, MONDO:0008082, OMIM 162300.
Hirschsprung disease, susceptibility to, 1 (HSCR1). Also called: RET-Related Hirschsprung Disease. Identifiers: Orphanet 388, MedGen C3888239, MONDO:0007723, OMIM 142623.
Pheochromocytoma. Also called: MAX-Related Hereditary Paraganglioma-Pheochromocytoma Syndrome. Identifiers: Orphanet 29072, MedGen C0031511, MONDO:0008233, OMIM 171300, HP:0002666.
Multiple endocrine neoplasia type 2A. Also called: MULTIPLE ENDOCRINE NEOPLASIA, TYPE IIA; PTC SYNDROME; SIPPLE SYNDROME; MEN 2A; MEN-2A syndrome; Pheochromocytoma and amyloid producing medullary thyroid carcinoma. Identifiers: Orphanet 247698, Orphanet 653, MedGen C0025268, MeSH D018813, MONDO:0008234, OMIM 171400.
Familial medullary thyroid carcinoma (MTC). Also called: Familial Medullary Thyroid Carcinoma (FMTC); Thyroid cancer, familial medullary; MTC, familial. Identifiers: Orphanet 653, Orphanet 99361, MedGen C1833921, MONDO:0007958, OMIM 155240.
Multiple endocrine neoplasia, type 2 (MEN2). Identifiers: Orphanet 653, MedGen C4048306, MONDO:0019003. Disease mechanism: gain of function.

Allele frequency attached by ClinVar (database versions not stated): gnomAD 0.00001; gnomAD exomes 0.00001; TOPMed 0.00002.
gnomAD v4.1: 16 of 1,612,216 alleles (0.00099%); highest among the groups gnomAD compares: East Asian, 0.0089%; no homozygotes.

Submissions (7):

CeGaT Center for Human Genetics Tuebingen
Classification: Likely benign. Last evaluated: 2026-08-01. Review status: criteria provided, single submitter. Criteria: CeGaT Center For Human Genetics Tuebingen Variant Classification Criteria Version 2. Collection method: clinical testing. Allele origin: germline. Affected: yes. Observed: 2 variant alleles.
Comment: RET: BP4

Labcorp Genetics (formerly Invitae), Labcorp
Classification: Uncertain significance for Multiple endocrine neoplasia, type 2. Last evaluated: 2025-12-14. Review status: criteria provided, single submitter. Criteria: Invitae Variant Classification Sherloc (09022015). Collection method: clinical testing. Allele origin: germline.
Comment: This sequence change replaces arginine, which is basic and polar, with histidine, which is basic and polar, at codon 297 of the RET protein (p.Arg297His). This variant is not present in population databases (gnomAD no frequency). This variant has not been reported in the literature in individuals affected with RET-related conditions. ClinVar contains an entry for this variant (Variation ID: 822820). An algorithm developed to predict the effect of missense changes on protein structure and function outputs the following: PolyPhen-2: "Benign". The histidine amino acid residue is found in multiple mammalian species, which suggests that this missense change does not adversely affect protein function. In summary, the available evidence is currently insufficient to determine the role of this variant in disease. Therefore, it has been classified as a Variant of Uncertain Significance.

Color Diagnostics, LLC DBA Color Health
Classification: Uncertain significance for Multiple endocrine neoplasia, type 2. Last evaluated: 2024-06-26. Review status: criteria provided, single submitter. Criteria: ACMG Guidelines, 2015. Collection method: clinical testing. Allele origin: germline.
Comment: This missense variant replaces arginine with histidine at codon 297 of the RET protein. Computational prediction suggests that this variant may not impact protein structure and function. To our knowledge, functional studies have not been reported for this variant. This variant has been reported in an individual affected with metastatic pheochromocytoma (DOI: 10.1530/endoabs.63.P466). This variant has not been identified in the general population by the Genome Aggregation Database (gnomAD). The available evidence is insufficient to determine the role of this variant in disease conclusively. Therefore, this variant is classified as a Variant of Uncertain Significance.

Fulgent Genetics
Classification: Uncertain significance for Hirschsprung disease, susceptibility to, 1; Familial medullary thyroid carcinoma; Multiple endocrine neoplasia type 2B; Pheochromocytoma; Multiple endocrine neoplasia type 2A. Last evaluated: 2024-04-19. Review status: criteria provided, single submitter. Criteria: ACMG Guidelines, 2015. Collection method: clinical testing. Allele origin: germline.

Ambry Genetics
Classification: Likely benign for Hereditary cancer-predisposing syndrome. Last evaluated: 2024-04-11. Review status: criteria provided, single submitter. Criteria: Ambry Variant Classification Scheme 2023. Collection method: clinical testing. Allele origin: germline.

Quest Diagnostics Nichols Institute San Juan Capistrano
Classification: Uncertain significance. Last evaluated: 2024-01-23. Review status: criteria provided, single submitter. Criteria: Quest Diagnostics criteria. Collection method: clinical testing. Allele origin: unknown.

GeneDx
Classification: Uncertain significance. Last evaluated: 2023-06-15. Review status: criteria provided, single submitter. Criteria: GeneDx Variant Classification Process June 2021. Collection method: clinical testing. Allele origin: germline. Affected: yes.
Comment: Not observed at significant frequency in large population cohorts (gnomAD); In silico analysis supports that this missense variant does not alter protein structure/function; Has not been previously published as pathogenic or benign to our knowledge; This variant is associated with the following publications: (PMID: 31605946, 14633923, 36479692, 28007035)

Literature cited by the submitters: PubMed 31605946 (cited by Quest Diagnostics Nichols Institute San Juan Capistrano); PubMed 31097095 (cited by Quest Diagnostics Nichols Institute San Juan Capistrano).

NM_020975.6(RET):c.890G>A (p.Arg297His)

Gene: RET (ret proto-oncogene; plus strand). Cytogenetic location: 10q11.21.
Variant type: single nucleotide variant.
Coding change: c.890G>A on transcript NM_020975.6 (MANE Select); coding-DNA position 890, G replaced by A.
Protein change: p.Arg297His; replaces arginine 297 with histidine.
Molecular consequence: missense variant.
Genome position (GRCh38, 1-based): chr10:43,106,398, G>A. VCF-style: chr10-43106398-G-A. GRCh37 (hg19) VCF-style: chr10-43601846-G-A.
Other names: c.890G>A, p.Arg297His (NM_000323.2, NM_001406743.1, NM_001406744.1 and 6 more transcripts); c.128G>A, p.Arg43His (NM_001355216.2); c.761G>A, p.Arg254His (NM_001406761.1, NM_001406762.1, NM_001406764.1 and 1 more transcripts); c.602G>A, p.Arg201His (NM_001406766.1, NM_001406767.1, NM_001406770.1); short protein forms R43H, R297H, R201H, R254H.
Identifiers: ClinVar variation 822820 (VCV000822820.23), dbSNP rs1480040525, ClinGen allele CA376545706.